The following is an entry in ClinVar:

ClinVar aggregate classification (germline): Uncertain significance (1 of 4 stars; one submission).

Conditions:
Congenital anomalies of kidney and urinary tract syndrome with or without hearing loss, abnormal ears, or developmental delay. Also called: Congenital Anomalies of the Kidney and Urinary Tract syndrome with or without Hearing Loss, Abnormal Ears, or Developmental Delay. Identifiers: Orphanet 656130, MedGen C4539968, MONDO:0060549, OMIM 617641.

gnomAD v4.1: 2 of 1,613,830 alleles (0.00012%); highest among the groups gnomAD compares: Non-Finnish European, 0.00017%; no homozygotes.

Submission:

MVZ Medizinische Genetik Mainz
Classification: Uncertain significance for Congenital anomalies of kidney and urinary tract syndrome with or without hearing loss, abnormal ears, or developmental delay. Last evaluated: 2026-04-23. Review status: criteria provided, single submitter. Criteria: UK Practice Guidelines For Variant Classification V4 01 2020. Collection method: clinical testing. Allele origin: germline. Inheritance: Autosomal dominant inheritance. Affected: yes. Observed: 1 variant allele.
Comment: ACMG Criteria: PM2_SUP,PP2

NM_002585.4(PBX1):c.281G>A (p.Gly94Glu)

Gene: PBX1 (PBX homeobox 1; plus strand). Cytogenetic location: 1q23.3.
Variant type: single nucleotide variant.
Coding change: c.281G>A on transcript NM_002585.4 (MANE Select); coding-DNA position 281, G replaced by A.
Protein change: p.Gly94Glu; replaces glycine 94 with glutamic acid.
Molecular consequence: missense variant.
Genome position (GRCh38, 1-based): chr1:164,792,509, G>A. VCF-style: chr1-164792509-G-A. GRCh37 (hg19) VCF-style: chr1-164761746-G-A.
Other names: c.281G>A, p.Gly94Glu (NM_001204961.2, NM_001204963.2, NM_001353131.2); c.32G>A, p.Gly11Glu (NM_001353130.1); short protein forms G11E, G94E.
Identifiers: ClinVar variation 4852366 (VCV004852366.1).